The following is an entry in ClinVar:

NM_015599.3(PGM3):c.409T>C (p.Ser137Pro)

Gene: PGM3 (phosphoglucomutase 3; minus strand). Cytogenetic location: 6q14.1.
Variant type: single nucleotide variant.
Coding change: c.409T>C on transcript NM_015599.3 (MANE Select); coding-DNA position 409, T replaced by C.
Protein change: p.Ser137Pro; replaces serine 137 with proline.
Molecular consequence: missense variant. On other transcripts: non-coding transcript variant (1).
Genome position (GRCh38, 1-based): chr6:83,187,056, A>G on the plus strand (T>C on the coding strand, the complement: PGM3 is on the minus strand). VCF-style: chr6-83187056-A-G. GRCh37 (hg19) VCF-style: chr6-83896775-A-G.
Other names: c.493T>C, p.Ser165Pro (NM_001199917.2, NM_001367287.1); c.166T>C, p.Ser56Pro (NM_001199918.2); c.409T>C, p.Ser137Pro (NM_001199919.2, NM_001367286.1); short protein forms S137P, S56P, S165P.
Identifiers: ClinVar variation 2117235 (VCV002117235.1), dbSNP rs1562428894, ClinGen allele CA364850622.

ClinVar aggregate classification (germline): Uncertain significance (1 of 4 stars; one submission).

Conditions:
Immunodeficiency 23 (IMD23). Also called: IMMUNODEFICIENCY WITH HYPER IgE AND COGNITIVE IMPAIRMENT; IMMUNODEFICIENCY-VASCULITIS-MYOCLONUS SYNDROME. Identifiers: Orphanet 443811, MedGen C4014371, MONDO:0014353, OMIM 615816.

Submission:

Labcorp Genetics (formerly Invitae), Labcorp
Classification: Uncertain significance for Immunodeficiency 23. Last evaluated: 2022-05-31. Review status: criteria provided, single submitter. Criteria: Invitae Variant Classification Sherloc (09022015). Collection method: clinical testing. Allele origin: germline.
Comment: This sequence change replaces serine, which is neutral and polar, with proline, which is neutral and non-polar, at codon 165 of the PGM3 protein (p.Ser165Pro). This variant is not present in population databases (gnomAD no frequency). This variant has not been reported in the literature in individuals affected with PGM3-related conditions. Algorithms developed to predict the effect of missense changes on protein structure and function are either unavailable or do not agree on the potential impact of this missense change (SIFT: "Tolerated"; PolyPhen-2: "Probably Damaging"; Align-GVGD: "Class C0"). In summary, the available evidence is currently insufficient to determine the role of this variant in disease. Therefore, it has been classified as a Variant of Uncertain Significance.